The following is an entry in ClinVar:

NM_000548.5(TSC2):c.1597_1599del (p.Lys533del)

Gene: TSC2 (TSC complex subunit 2; plus strand). Cytogenetic location: 16p13.3.
Variant type: Deletion.
Coding change: c.1597_1599del on transcript NM_000548.5 (MANE Select); coding-DNA positions 1597 to 1599, 3 bases deleted (AAG; older notation c.1597_1599delAAG).
Protein change: p.Lys533del; deletes lysine 533.
Molecular consequence: inframe deletion.
Genome position (GRCh38, 1-based): chr16:2,064,425-2,064,427, AAG deleted; deleting any 3 consecutive bases within chr16:2,064,423-2,064,427 gives the same sequence; the c. name uses the placement nearest the transcript's 3' end. VCF-style (leftmost placement, unchanged base first): chr16-2064422-GAGA-G. GRCh37 (hg19) VCF-style: chr16-2114423-GAGA-G.
Other names: c.1597_1599del, p.Lys533del (NM_001077183.3, NM_001114382.3, NM_001363528.2 and 3 more transcripts); c.1486_1488del, p.Lys496del (NM_001318827.2); c.1450_1452del, p.Lys484del (NM_001318829.2); c.997_999del, p.Lys333del (NM_001318831.2); c.1630_1632del, p.Lys544del (NM_001318832.2); short protein forms K333del, K496del, K484del, K533del, K544del.
Identifiers: ClinVar variation 646414 (VCV000646414.8), dbSNP rs1596312554, ClinGen allele CA915946240.

ClinVar aggregate classification (germline): Pathogenic (1 of 4 stars; one submission).

Conditions:
Tuberous sclerosis 2 (TSC2). Identifiers: Orphanet 805, MedGen C1860707, MONDO:0013199, OMIM 613254.

Submission:

Labcorp Genetics (formerly Invitae), Labcorp
Classification: Pathogenic for Tuberous sclerosis 2. Last evaluated: 2022-04-26. Review status: criteria provided, single submitter. Criteria: Invitae Variant Classification Sherloc (09022015). Collection method: clinical testing. Allele origin: germline.
Comment: This variant, c.1597_1599del, results in the deletion of 1 amino acid(s) of the TSC2 protein (p.Lys533del), but otherwise preserves the integrity of the reading frame. This variant is not present in population databases (gnomAD no frequency). ClinVar contains an entry for this variant (Variation ID: 646414). This variant has been observed in individual(s) with tuberous sclerosis complex (PMID: 27859028; Invitae). In at least one individual the variant was observed to be de novo. For these reasons, this variant has been classified as Pathogenic.

Literature cited by the submitters: PubMed 27859028.